The following is an entry in ClinVar:

ClinVar aggregate classification (germline): Uncertain significance (1 of 4 stars; one submission).

Submission:

Laboratory for Molecular Medicine, Mass General Brigham Personalized Medicine
Classification: Uncertain significance. Last evaluated: 2014-04-18. Review status: criteria provided, single submitter. Criteria: LMM Criteria. Collection method: clinical testing. Allele origin: germline. Observed: 1 variant allele.
Comment: The Leu3879del variant in TTN has been previously reported in any other families with cardiomyopathy. Data from large population studies is insufficient to asse ss its frequency. This variant is a deletion of one amino acid (Leu) at position 3879 and is not predicted to alter the protein reading-frame. The spectrum of pathogenic TTN variants is not yet well understood. While truncating variants a re an established cause of DCM, other types of variants such as this in-frame de letion are not well studied. In summary, the clinical significance of the Leu387 9del variant is uncertain.

NM_001267550.2(TTN):c.15369_15371del (p.Leu5123del)

Gene: TTN (titin; minus strand). Cytogenetic location: 2q31.2.
Variant type: Deletion.
Coding change: c.15369_15371del on transcript NM_001267550.2 (MANE Select); coding-DNA positions 15369 to 15371, 3 bases deleted (GTT; older notation c.15369_15371delGTT).
Protein change: p.Leu5123del; deletes leucine 5123.
Molecular consequence: inframe deletion. On other transcripts: intron variant (3).
Genome position (GRCh38, 1-based): chr2:178,734,453-178,734,455, AAC deleted on the plus strand (GTT on the coding strand, the reverse complement: TTN is on the minus strand); deleting any 3 consecutive bases within chr2:178,734,453-178,734,457 gives the same sequence; the c. name uses the placement nearest the transcript's 3' end. VCF-style (leftmost placement, unchanged base first): chr2-178734452-AAAC-A. GRCh37 (hg19) VCF-style: chr2-179599179-AAAC-A.
Other names: c.11637_11639delGTT (NM_133378.4); c.14418_14420del, p.Leu4806del (NM_001256850.1); c.11637_11639del, p.Leu3879del (NM_133378.4); c.13282+3627_13282+3629del (NM_003319.4); c.13858+3627_13858+3629del (NM_133437.4); c.13657+3627_13657+3629del (NM_133432.3); short protein forms L5123del, L3879del, L4806del.
Identifiers: ClinVar variation 46600 (VCV000046600.5), dbSNP rs397517480, ClinGen allele CA138724.